The following is an entry in ClinVar:

NM_000059.4(BRCA2):c.4940C>G (p.Thr1647Arg)

Gene: BRCA2 (BRCA2 DNA repair associated; plus strand). Cytogenetic location: 13q13.1.
Variant type: single nucleotide variant.
Coding change: c.4940C>G on transcript NM_000059.4 (MANE Select); coding-DNA position 4940, C replaced by G.
Protein change: p.Thr1647Arg; replaces threonine 1647 with arginine.
Molecular consequence: missense variant.
Genome position (GRCh38, 1-based): chr13:32,339,295, C>G. VCF-style: chr13-32339295-C-G. GRCh37 (hg19) VCF-style: chr13-32913432-C-G.
Other names: c.4940C>G, p.Thr1647Arg (NM_001406719.1, NM_001406720.1); short protein forms T1647R.
Identifiers: ClinVar variation 2112069 (VCV002112069.6), dbSNP rs1593903891, ClinGen allele CA387783709.
Genomic context (GRCh38, chr13:32,339,295, plus strand): 5'-TCAAAACATCAAAAAGTATCTTTTTGAAAGTTAAAGTACATGAAAATGTAGAAAAAGAAA[C>G]AGCAAAAAGTCCTGCAACTTGTTACACAAATCAGTCCCCTTATTCAGTCATTGAAAATTC-3'
Protein context (NP_000050.3, residues 1637-1657): VKVHENVEKE[Thr1647Arg]AKSPATCYTN

ClinVar aggregate classification (germline): Conflicting classifications of pathogenicity. Review status: criteria provided, conflicting classifications (1 of 4 stars). 2 submissions from 2 submitters: Uncertain significance (1); Likely benign (1). Last evaluated 2023-03-23.

Conditions:
Hereditary breast ovarian cancer syndrome. Also called: Hereditary breast and ovarian cancer syndrome; Hereditary breast and ovarian cancer; Hereditary breast and ovarian cancer syndrome (HBOC); Hereditary breast and/or ovarian cancer syndrome; Breast and ovarian cancer; BRCA1- and BRCA2-Associated Hereditary Breast and Ovarian Cancer. Identifiers: Orphanet 145, MedGen C0677776, MeSH D061325, MONDO:0003582. Disease mechanism: loss of function.
Hereditary cancer-predisposing syndrome. Also called: Neoplastic Syndromes, Hereditary; Tumor predisposition; Hereditary Cancer Syndrome; Hereditary neoplastic syndrome. Identifiers: Orphanet 140162, MedGen C0027672, MeSH D009386, MONDO:0015356.

Submissions (2):

University of Washington Department of Laboratory Medicine, University of Washington
Classification: Likely benign for Hereditary cancer-predisposing syndrome. Last evaluated: 2023-03-23. Review status: criteria provided, single submitter. Criteria: Dines et al. (Genet Med. 2020). Collection method: curation. Allele origin: germline.
Comment: Missense variant in a coldspot region where missense variants are very unlikely to be pathogenic (PMID:31911673).

BRCA2 exon 11 coldspot. Reclassification based on statistical prior probability.

Labcorp Genetics (formerly Invitae), Labcorp
Classification: Uncertain significance for Hereditary breast ovarian cancer syndrome. Last evaluated: 2022-09-25. Review status: criteria provided, single submitter. Criteria: Invitae Variant Classification Sherloc (09022015). Collection method: clinical testing. Allele origin: germline.
Comment: Advanced modeling of protein sequence and biophysical properties (such as structural, functional, and spatial information, amino acid conservation, physicochemical variation, residue mobility, and thermodynamic stability) performed at Invitae indicates that this missense variant is not expected to disrupt BRCA2 protein function. In summary, the available evidence is currently insufficient to determine the role of this variant in disease. Therefore, it has been classified as a Variant of Uncertain Significance. This sequence change replaces threonine, which is neutral and polar, with arginine, which is basic and polar, at codon 1647 of the BRCA2 protein (p.Thr1647Arg). This variant is not present in population databases (gnomAD no frequency). This variant has not been reported in the literature in individuals affected with BRCA2-related conditions.